The following is an entry in ClinVar:

ClinVar aggregate classification (germline): Uncertain significance. Review status: criteria provided, multiple submitters, no conflicts (2 of 4 stars). 4 submissions from 4 submitters: Uncertain significance (4). Last evaluated 2024-10-26.

Conditions:
Inborn genetic diseases. Identifiers: MedGen C0950123, MeSH D030342.

Allele frequency attached by ClinVar (database versions not stated): gnomAD exomes 0.00004; ExAC 0.00007; 1000 Genomes Project 30x 0.00016; 1000 Genomes Project 0.00020; gnomAD 0.00028; ESP Exome Variant Server 0.00046; TOPMed 0.00046.
gnomAD v4.1: 93 of 1,598,488 alleles (0.0058%); highest among the groups gnomAD compares: African/African-American, 0.12%; no homozygotes.

Submissions (4):

Ambry Genetics
Classification: Uncertain significance for Inborn genetic diseases. Last evaluated: 2024-10-26. Review status: criteria provided, single submitter. Criteria: Ambry Variant Classification Scheme 2023. Collection method: clinical testing. Allele origin: germline.

Blueprint Genetics
Classification: Uncertain significance. Last evaluated: 2024-10-02. Review status: criteria provided, single submitter. Criteria: ACMG Guidelines, 2015. Collection method: clinical testing. Allele origin: germline.

GeneDx
Classification: Uncertain significance. Last evaluated: 2024-03-27. Review status: criteria provided, single submitter. Criteria: GeneDx Variant Classification Process June 2021. Collection method: clinical testing. Allele origin: germline. Affected: yes.
Comment: Has not been previously published as pathogenic or benign to our knowledge; In silico analysis supports that this missense variant has a deleterious effect on protein structure/function

Labcorp Genetics (formerly Invitae), Labcorp
Classification: Uncertain significance. Last evaluated: 2023-08-09. Review status: criteria provided, single submitter. Criteria: Invitae Variant Classification Sherloc (09022015). Collection method: clinical testing. Allele origin: germline.
Comment: This variant is present in population databases (rs73802341, gnomAD 0.08%). This sequence change replaces serine, which is neutral and polar, with phenylalanine, which is neutral and non-polar, at codon 122 of the RARS protein (p.Ser122Phe). This variant has not been reported in the literature in individuals affected with RARS-related conditions. In summary, the available evidence is currently insufficient to determine the role of this variant in disease. Therefore, it has been classified as a Variant of Uncertain Significance. Advanced modeling of protein sequence and biophysical properties (such as structural, functional, and spatial information, amino acid conservation, physicochemical variation, residue mobility, and thermodynamic stability) performed at Invitae indicates that this missense variant is not expected to disrupt RARS protein function. ClinVar contains an entry for this variant (Variation ID: 2186269).

NM_002887.4(RARS1):c.365C>T (p.Ser122Phe)

Gene: RARS1 (arginyl-tRNA synthetase 1; plus strand). Cytogenetic location: 5q34.
Variant type: single nucleotide variant.
Coding change: c.365C>T on transcript NM_002887.4 (MANE Select); coding-DNA position 365, C replaced by T.
Protein change: p.Ser122Phe; replaces serine 122 with phenylalanine.
Molecular consequence: missense variant.
Genome position (GRCh38, 1-based): chr5:168,492,843, C>T. VCF-style: chr5-168492843-C-T. GRCh37 (hg19) VCF-style: chr5-167919848-C-T.
Other names: short protein forms S122F.
Identifiers: ClinVar variation 2186269 (VCV002186269.6), dbSNP rs73802341, ClinGen allele CA3549578.